The following is an entry in ClinVar:

ClinVar aggregate classification (germline): Uncertain significance (1 of 4 stars; one submission).

Conditions:
Giant axonal neuropathy 1 (GAN1). Also called: GAN-Related Neurodegeneration; GIANT AXONAL NEUROPATHY 1, AUTOSOMAL RECESSIVE. Identifiers: Orphanet 643, MedGen C1850386, MONDO:0009749, OMIM 256850.

Allele frequency attached by ClinVar (database versions not stated): gnomAD exomes below 0.00001.
gnomAD v4.1: 1 of 1,613,774 alleles (0.000062%); highest among the groups gnomAD compares: Non-Finnish European, 0.000085%; no homozygotes.

Submission:

Labcorp Genetics (formerly Invitae), Labcorp
Classification: Uncertain significance for Giant axonal neuropathy 1. Last evaluated: 2019-08-09. Review status: criteria provided, single submitter. Criteria: Invitae Variant Classification Sherloc (09022015). Collection method: clinical testing. Allele origin: germline.
Comment: This sequence change replaces methionine with isoleucine at codon 235 of the GAN protein (p.Met235Ile). The methionine residue is highly conserved and there is a small physicochemical difference between methionine and isoleucine. In summary, the available evidence is currently insufficient to determine the role of this variant in disease. Therefore, it has been classified as a Variant of Uncertain Significance. Algorithms developed to predict the effect of missense changes on protein structure and function (SIFT, PolyPhen-2, Align-GVGD) all suggest that this variant is likely to be tolerated, but these predictions have not been confirmed by published functional studies and their clinical significance is uncertain. This variant has not been reported in the literature in individuals with GAN-related conditions. This variant is not present in population databases (ExAC no frequency).

NM_022041.4(GAN):c.705G>A (p.Met235Ile)

Gene: GAN (gigaxonin; plus strand). Cytogenetic location: 16q23.2.
Variant type: single nucleotide variant.
Coding change: c.705G>A on transcript NM_022041.4 (MANE Select); coding-DNA position 705, G replaced by A.
Protein change: p.Met235Ile; replaces methionine 235 with isoleucine.
Molecular consequence: missense variant.
Genome position (GRCh38, 1-based): chr16:81,356,856, G>A. VCF-style: chr16-81356856-G-A. GRCh37 (hg19) VCF-style: chr16-81390461-G-A.
Other names: c.66G>A, p.Met22Ile (NM_001377486.1); short protein forms M22I, M235I.
Identifiers: ClinVar variation 959081 (VCV000959081.9), dbSNP rs1910503027, ClinGen allele CA396871052.